The following is an entry in ClinVar:

NM_002524.5(NRAS):c.55C>G (p.Leu19Val)

Gene: NRAS (NRAS proto-oncogene, GTPase; minus strand). Cytogenetic location: 1p13.2.
Variant type: single nucleotide variant.
Coding change: c.55C>G on transcript NM_002524.5 (MANE Select); coding-DNA position 55, C replaced by G.
Protein change: p.Leu19Val; replaces leucine 19 with valine.
Molecular consequence: missense variant.
Genome position (GRCh38, 1-based): chr1:114,716,106, G>C on the plus strand (C>G on the coding strand, the complement: NRAS is on the minus strand). VCF-style: chr1-114716106-G-C. GRCh37 (hg19) VCF-style: chr1-115258727-G-C.
Other names: short protein forms L19V.
Identifiers: ClinVar variation 5009548 (VCV005009548.1).
Genomic context (GRCh38, chr1:114,716,106, plus strand): 5'-TCACCTCTATGGTGGGATCATATTCATCTACAAAGTGGTTCTGGATTAGCTGGATTGTCA[G>C]TGCGCTTTTCCCAACACCACCTGCTCCAACCACCACCAGTTTGTACTCAGTCATTTCACA-3'
Protein context (NP_002515.1, residues 9-29): VGAGGVGKSA[Leu19Val]TIQLIQNHFV

ClinVar aggregate classification (germline): Uncertain significance (1 of 4 stars; one submission).

gnomAD v4.1: 1 of 1,613,934 alleles (0.000062%); highest among the groups gnomAD compares: African/African-American, 0.0013%; no homozygotes.

Submission:

GeneDx
Classification: Uncertain significance. Last evaluated: 2026-02-17. Review status: criteria provided, single submitter. Criteria: GeneDx Variant Classification Process June 2021. Collection method: clinical testing. Allele origin: germline.
Comment: Not observed at significant frequency in large population cohorts (gnomAD); Missense variants in this gene are a common cause of disease and they are underrepresented in the general population; In silico analysis supports that this missense variant has a deleterious effect on protein structure/function; Has not been previously published as pathogenic or benign to our knowledge